The following is an entry in ClinVar:

ClinVar aggregate classification (germline): Uncertain significance. Review status: criteria provided, multiple submitters, no conflicts (2 of 4 stars). 2 submissions from 2 submitters: Uncertain significance (2). Last evaluated 2024-05-02.

Conditions:
Wolcott-Rallison dysplasia. Also called: MED-IDDM SYNDROME; Wolcott-Rallison syndrome. Identifiers: Orphanet 1667, MedGen C0432217, MONDO:0009192, OMIM 226980.

Allele frequency attached by ClinVar (database versions not stated): gnomAD exomes below 0.00001 and 0.00001; ExAC 0.00001; gnomAD 0.00002; TOPMed 0.00002.
gnomAD v4.1: 5 of 1,613,748 alleles (0.00031%); highest among the groups gnomAD compares: African/African-American, 0.0053%; no homozygotes.

Submissions (2):

Fulgent Genetics
Classification: Uncertain significance for Wolcott-Rallison dysplasia. Last evaluated: 2024-05-02. Review status: criteria provided, single submitter. Criteria: ACMG Guidelines, 2015. Collection method: clinical testing. Allele origin: germline.

Labcorp Genetics (formerly Invitae), Labcorp
Classification: Uncertain significance. Last evaluated: 2022-02-05. Review status: criteria provided, single submitter. Criteria: Invitae Variant Classification Sherloc (09022015). Collection method: clinical testing. Allele origin: germline.
Comment: In summary, the available evidence is currently insufficient to determine the role of this variant in disease. Therefore, it has been classified as a Variant of Uncertain Significance. Algorithms developed to predict the effect of sequence changes on RNA splicing suggest that this variant may create or strengthen a splice site. Algorithms developed to predict the effect of missense changes on protein structure and function (SIFT, PolyPhen-2, Align-GVGD) all suggest that this variant is likely to be tolerated. This variant has not been reported in the literature in individuals affected with EIF2AK3-related conditions. This variant is present in population databases (rs777668213, gnomAD 0.007%). This sequence change replaces serine, which is neutral and polar, with glycine, which is neutral and non-polar, at codon 410 of the EIF2AK3 protein (p.Ser410Gly).

NM_004836.7(EIF2AK3):c.1228A>G (p.Ser410Gly)

Gene: EIF2AK3 (eukaryotic translation initiation factor 2 alpha kinase 3; minus strand). Cytogenetic location: 2p11.2.
Variant type: single nucleotide variant.
Coding change: c.1228A>G on transcript NM_004836.7 (MANE Select); coding-DNA position 1228, A replaced by G.
Protein change: p.Ser410Gly; replaces serine 410 with glycine.
Molecular consequence: missense variant.
Genome position (GRCh38, 1-based): chr2:88,588,839, T>C on the plus strand (A>G on the coding strand, the complement: EIF2AK3 is on the minus strand). VCF-style: chr2-88588839-T-C. GRCh37 (hg19) VCF-style: chr2-88888357-T-C.
Other names: c.775A>G, p.Ser259Gly (NM_001313915.2); short protein forms S259G, S410G.
Identifiers: ClinVar variation 1415353 (VCV001415353.10), dbSNP rs777668213, ClinGen allele CA1754738.